The following is an entry in ClinVar:

NM_004415.4(DSP):c.726+43C>T

Gene: DSP (desmoplakin; plus strand). Cytogenetic location: 6p24.3.
Variant type: single nucleotide variant.
Coding change: c.726+43C>T on transcript NM_004415.4 (MANE Select); 43 bases into the intron after coding-DNA position 726, C replaced by T.
Molecular consequence: intron variant.
Genome position (GRCh38, 1-based): chr6:7,562,823, C>T. VCF-style: chr6-7562823-C-T. GRCh37 (hg19) VCF-style: chr6-7563056-C-T.
Other names: c.726+43C>T (NM_001319034.2, NM_001008844.3).
Identifiers: ClinVar variation 676370 (VCV000676370.1), dbSNP rs182623208, ClinGen allele CA049405.

ClinVar aggregate classification (germline): Likely benign (1 of 4 stars; one submission).

Allele frequency attached by ClinVar (database versions not stated): gnomAD exomes 0.00035 and 0.00082; ExAC 0.00095; ESP Exome Variant Server 0.00315; 1000 Genomes Project 0.00319; TOPMed 0.00334; gnomAD 0.00338 and 0.00365; 1000 Genomes Project 30x 0.00344.
gnomAD v4.1: 1,024 of 1,612,350 alleles (0.064%); highest among the groups gnomAD compares: African/African-American, 1.2%; 9 homozygotes.

Submission:

GeneDx
Classification: Likely benign. Last evaluated: 2018-06-14. Review status: criteria provided, single submitter. Criteria: GeneDx Variant Classification (06012015). Collection method: clinical testing. Allele origin: germline. Affected: yes.
Comment: This variant is considered likely benign or benign based on one or more of the following criteria: it is a conservative change, it occurs at a poorly conserved position in the protein, it is predicted to be benign by multiple in silico algorithms, and/or has population frequency not consistent with disease.